The following is an entry in ClinVar:

NM_017654.4(SAMD9):c.3G>A (p.Met1Ile)

Gene: SAMD9 (sterile alpha motif domain containing 9; minus strand). Cytogenetic location: 7q21.2.
Variant type: single nucleotide variant.
Coding change: c.3G>A on transcript NM_017654.4 (MANE Select); coding-DNA position 3, G replaced by A.
Protein change: p.Met1Ile; changes the start codon (methionine 1).
Molecular consequence: missense variant, initiator codon variant.
Genome position (GRCh38, 1-based): chr7:93,106,095, C>T on the plus strand (G>A on the coding strand, the complement: SAMD9 is on the minus strand). VCF-style: chr7-93106095-C-T. GRCh37 (hg19) VCF-style: chr7-92735408-C-T.
Other names: c.3G>A, p.Met1Ile (NM_001193307.2); short protein forms M1I.
Identifiers: ClinVar variation 2808078 (VCV002808078.3), dbSNP rs759466844, ClinGen allele CA161995574.

ClinVar aggregate classification (germline): Uncertain significance (1 of 4 stars; one submission).

Submission:

Labcorp Genetics (formerly Invitae), Labcorp
Classification: Uncertain significance. Last evaluated: 2022-10-09. Review status: criteria provided, single submitter. Criteria: Invitae Variant Classification Sherloc (09022015). Collection method: clinical testing. Allele origin: germline.
Comment: In summary, the available evidence is currently insufficient to determine the role of this variant in disease. Therefore, it has been classified as a Variant of Uncertain Significance. Experimental studies and prediction algorithms are not available or were not evaluated, and the functional significance of this variant is currently unknown. This variant has not been reported in the literature in individuals affected with SAMD9-related conditions. This variant is not present in population databases (gnomAD no frequency). This sequence change affects the initiator methionine of the SAMD9 mRNA. The next in-frame methionine is located at codon 57.